The following is an entry in ClinVar:

ClinVar aggregate classification (germline): Benign/Likely benign. Review status: criteria provided, single submitter (1 of 4 stars). 3 submissions from 1 submitter: Benign (2); Likely benign (1). Last evaluated 2018-01-13.

Conditions:
TP63-Related Spectrum Disorders.
Orofacial cleft 8. Also called: Cleft lip with or without cleft palate, nonsyndromic, 8. Identifiers: MedGen C1851878, MONDO:0029145, OMIM 618149.
Ectrodactyly, ectodermal dysplasia, and cleft lip-palate syndrome 3. Also called: Ectrodactyly, Ectodermal Dysplasia, Clefting Syndrome; EEC SYNDROME 3; Ectrodactyly, Ectodermal Dysplasia, Clefting Syndrome Type 3 (EEC3); Ectrodactyly, Ectodermal Dysplasia, Cleft Lip/Palate Syndrome 3 (EEC3). Identifiers: Orphanet 1896, MedGen C1858562, MONDO:0011428, OMIM 604292.

Allele frequency attached by ClinVar (database versions not stated): gnomAD 0.00043 and 0.00129; TOPMed 0.00107; gnomAD exomes 0.00223; 1000 Genomes Project 30x 0.00781; 1000 Genomes Project 0.00859.
gnomAD v4.1: 344 of 221,384 alleles (0.16%); highest among the groups gnomAD compares: South Asian, 2.3%; 4 homozygotes.

Submissions (3):

Illumina Laboratory Services, Illumina
Classification: Likely benign for Orofacial cleft 8. Last evaluated: 2018-01-13. Review status: criteria provided, single submitter. Criteria: ICSL Variant Classification Criteria 13 December 2019. Collection method: clinical testing. Allele origin: germline.
Comment: This variant was observed in the ICSL laboratory as part of a predisposition screen in an ostensibly healthy population. It had not been previously curated by ICSL or reported in the Human Gene Mutation Database (HGMD: prior to June 1st, 2018), and was therefore a candidate for classification through an automated scoring system. Utilizing variant allele frequency, disease prevalence and penetrance estimates, and inheritance mode, an automated score was calculated to assess if this variant is too frequent to cause the disease. Based on the score and internal cut-off values, a variant classified as likely benign is not then subjected to further curation. The score for this variant resulted in a classification of likely benign for this disease.

Illumina Laboratory Services, Illumina
Classification: Benign for Ectrodactyly, ectodermal dysplasia, and cleft lip-palate syndrome 3. Last evaluated: 2018-01-13. Review status: criteria provided, single submitter. Criteria: ICSL Variant Classification Criteria 13 December 2019. Collection method: clinical testing. Allele origin: germline.
Comment: This variant was observed in the ICSL laboratory as part of a predisposition screen in an ostensibly healthy population. It had not been previously curated by ICSL or reported in the Human Gene Mutation Database (HGMD: prior to June 1st, 2018), and was therefore a candidate for classification through an automated scoring system. Utilizing variant allele frequency, disease prevalence and penetrance estimates, and inheritance mode, an automated score was calculated to assess if this variant is too frequent to cause the disease. Based on the score and internal cut-off values, a variant classified as benign is not then subjected to further curation. The score for this variant resulted in a classification of benign for this disease.

Illumina Laboratory Services, Illumina
Classification: Benign for TP63-Related Spectrum Disorders. Last evaluated: 2018-01-13. Review status: criteria provided, single submitter. Criteria: ICSL Variant Classification Criteria 13 December 2019. Collection method: clinical testing. Allele origin: germline.
Comment: the same text as in the submission from Illumina Laboratory Services, Illumina above.

NM_003722.5(TP63):c.*627T>C

Gene: TP63 (tumor protein p63; plus strand). Cytogenetic location: 3q28.
Variant type: single nucleotide variant.
Coding change: c.*627T>C on transcript NM_003722.5 (MANE Select); 627 bases downstream of the stop codon, T replaced by C.
Molecular consequence: 3 prime UTR variant.
Genome position (GRCh38, 1-based): chr3:189,895,129, T>C. VCF-style: chr3-189895129-T-C. GRCh37 (hg19) VCF-style: chr3-189612918-T-C.
Other names: c.*908T>C (NM_001114978.2, NM_001114981.2); c.*627T>C (NM_001114980.2, NM_001329146.2, NM_001329148.2 and 1 more transcripts); c.*898T>C (NM_001329144.2, NM_001329145.2, NM_001329149.2 and 1 more transcripts).
Identifiers: ClinVar variation 344402 (VCV000344402.6), dbSNP rs184452906, ClinGen allele CA10615414.